The following is an entry in ClinVar:

ClinVar aggregate classification (germline): Pathogenic. Review status: criteria provided, single submitter (1 of 4 stars). 2 submissions from 2 submitters: Pathogenic (1). 1 of the submissions does not count toward it. Last evaluated 2023-10-17.

Conditions:
Inborn genetic diseases. Identifiers: MedGen C0950123, MeSH D030342.
Autosomal dominant Alport syndrome (ATS3A). Also called: Alport syndrome dominant type; Renal failure and sensorineural hearing loss; ALPORT SYNDROME 3A, AUTOSOMAL DOMINANT. Identifiers: Orphanet 63, Orphanet 88918, MedGen C5882663, MONDO:0007086, OMIM 104200.

Allele frequency attached by ClinVar (database versions not stated): gnomAD exomes below 0.00001.

Submissions (2):

Ambry Genetics
Classification: Pathogenic for Inborn genetic diseases. Last evaluated: 2023-10-17. Review status: criteria provided, single submitter. Criteria: Ambry Variant Classification Scheme 2023. Collection method: clinical testing. Allele origin: germline.
Comment: The c.3909delT (p.G1304Afs*84) alteration, located in exon 41 (coding exon 40) of the COL4A4 gene, consists of a deletion of one nucleotide at position 3909, causing a translational frameshift with a predicted alternate stop codon after 84 amino acids. This alteration is expected to result in loss of function by premature protein truncation or nonsense-mediated mRNA decay. This variant was not reported in population-based cohorts in the Genome Aggregation Database (gnomAD). Based on the available evidence, this alteration is classified as pathogenic.

MVZ Medizinische Genetik Mainz
Classification: Pathogenic for Autosomal dominant Alport syndrome. Last evaluated: 2023-06-12. Review status: no assertion criteria provided. Collection method: clinical testing. Allele origin: germline. Inheritance: Autosomal dominant inheritance. Affected: yes. Observed: 1 variant allele. Not counted in ClinVar's aggregate classification.

NM_000092.5(COL4A4):c.3909del (p.Gly1304fs)

Gene: COL4A4 (collagen type IV alpha 4 chain; minus strand). Cytogenetic location: 2q36.3.
Variant type: Deletion.
Coding change: c.3909del on transcript NM_000092.5 (MANE Select); coding-DNA position 3909, one base deleted (T; older notation c.3909delT).
Protein change: p.Gly1304fs; shifts the reading frame from glycine 1304.
Molecular consequence: frameshift variant.
Genome position (GRCh38, 1-based): chr2:227,030,507, A deleted on the plus strand (T on the coding strand, the reverse complement: COL4A4 is on the minus strand). VCF-style (leftmost placement, unchanged base first): chr2-227030506-CA-C. GRCh37 (hg19) VCF-style: chr2-227895222-CA-C.
Other names: short protein forms G1304fs.
Identifiers: ClinVar variation 2577463 (VCV002577463.3), dbSNP rs2473276557, ClinGen allele CA2580617520.